The following is an entry in ClinVar:

NC_000010.11:g.(?_43118363)_(43128277_?)dup

Gene: RET (ret proto-oncogene; plus strand). Cytogenetic location: 10q11.21.
Variant type: Duplication.
Identifiers: ClinVar variation 830544 (VCV000830544.6).

ClinVar aggregate classification (germline): Uncertain significance (1 of 4 stars; one submission).

Conditions:
Multiple endocrine neoplasia, type 2 (MEN2). Identifiers: Orphanet 653, MedGen C4048306, MONDO:0019003. Disease mechanism: gain of function.

Submission:

Labcorp Genetics (formerly Invitae), Labcorp
Classification: Uncertain significance for Multiple endocrine neoplasia, type 2. Last evaluated: 2019-11-25. Review status: criteria provided, single submitter. Criteria: Invitae Variant Classification Sherloc (09022015). Collection method: clinical testing. Allele origin: germline.
Comment: Experimental studies and prediction algorithms are not available or were not evaluated, and the functional significance of this variant is currently unknown. This variant has not been reported in the literature in individuals with RET-related conditions. This variant results in a copy number gain of the genomic region encompassing exons 13-20 of the RET gene. The 5' boundary is likely confined to intron 12. The 3' end of this event is unknown as it extends beyond the assayed region for this gene and therefore may encompass additional genes. As the precise location of this event is unknown, it may be in tandem or it may be located elsewhere in the genome. In summary, the available evidence is currently insufficient to determine the role of this variant in disease. Therefore, it has been classified as a Variant of Uncertain Significance.